The following is an entry in ClinVar:

ClinVar aggregate classification (germline): Uncertain significance. Review status: criteria provided, multiple submitters, no conflicts (2 of 4 stars). 2 submissions from 2 submitters: Uncertain significance (2). Last evaluated 2025-06-04.

Conditions:
Hereditary cancer-predisposing syndrome. Also called: Neoplastic Syndromes, Hereditary; Tumor predisposition; Hereditary Cancer Syndrome; Hereditary neoplastic syndrome. Identifiers: Orphanet 140162, MedGen C0027672, MeSH D009386, MONDO:0015356.
Familial melanoma. Also called: Hereditary melanoma; Hereditary cutaneous melanoma. Identifiers: Orphanet 618, MedGen C1512419, MONDO:0018961.

Submissions (2):

Labcorp Genetics (formerly Invitae), Labcorp
Classification: Uncertain significance for Familial melanoma. Last evaluated: 2025-06-04. Review status: criteria provided, single submitter. Criteria: Invitae Variant Classification Sherloc (09022015). Collection method: clinical testing. Allele origin: germline.
Comment: This sequence change falls in intron 5 of the CDK4 gene. It does not directly change the encoded amino acid sequence of the CDK4 protein. It affects a nucleotide within the consensus splice site. This variant is not present in population databases (gnomAD no frequency). This variant has not been reported in the literature in individuals affected with CDK4-related conditions. ClinVar contains an entry for this variant (Variation ID: 1752848). Variants that disrupt the consensus splice site are a relatively common cause of aberrant splicing (PMID: 17576681, 9536098). Algorithms developed to predict the effect of sequence changes on RNA splicing suggest that this variant may disrupt the consensus splice site. In summary, the available evidence is currently insufficient to determine the role of this variant in disease. Therefore, it has been classified as a Variant of Uncertain Significance.

Ambry Genetics
Classification: Uncertain significance for Hereditary cancer-predisposing syndrome. Last evaluated: 2020-08-24. Review status: criteria provided, single submitter. Criteria: Ambry Variant Classification Scheme 2023. Collection method: clinical testing. Allele origin: germline.
Comment: The c.632+5G>A intronic variant results from a G to A substitution 5 nucleotides after coding exon 4 in the CDK4 gene. This nucleotide position is highly conserved in available vertebrate species. In silico splice site analysis predicts that this alteration may weaken the native splice donor site. Since supporting evidence is limited at this time, the clinical significance of this alteration remains unclear.

Literature cited by the submitters: PubMed 17576681 (cited by Labcorp Genetics (formerly Invitae), Labcorp); PubMed 9536098 (cited by Labcorp Genetics (formerly Invitae), Labcorp).

NM_000075.4(CDK4):c.632+5G>A

Gene: CDK4 (cyclin dependent kinase 4; minus strand). Cytogenetic location: 12q14.1.
Variant type: single nucleotide variant.
Coding change: c.632+5G>A on transcript NM_000075.4 (MANE Select); 5 bases into the intron after coding-DNA position 632, G replaced by A.
Molecular consequence: intron variant.
Genome position (GRCh38, 1-based): chr12:57,750,651, C>T on the plus strand (G>A on the coding strand, the complement: CDK4 is on the minus strand). VCF-style: chr12-57750651-C-T. GRCh37 (hg19) VCF-style: chr12-58144434-C-T.
Identifiers: ClinVar variation 1752848 (VCV001752848.7), dbSNP rs2140385570, ClinGen allele CA2580086615.